The following is an entry in ClinVar:

ClinVar aggregate classification (germline): Uncertain significance (1 of 4 stars; one submission).

Conditions:
Congenital myasthenic syndrome 18. Also called: MYASTHENIC SYNDROME, CONGENITAL, 18, WITH INTELLECTUAL DISABILITY AND ATAXIA. Identifiers: Orphanet 590, MedGen C4225364, MONDO:0014590, OMIM 616330.

Submission:

Labcorp Genetics (formerly Invitae), Labcorp
Classification: Uncertain significance for Congenital myasthenic syndrome 18. Last evaluated: 2022-10-01. Review status: criteria provided, single submitter. Criteria: Invitae Variant Classification Sherloc (09022015). Collection method: clinical testing. Allele origin: germline.
Comment: In summary, the available evidence is currently insufficient to determine the role of this variant in disease. Therefore, it has been classified as a Variant of Uncertain Significance. Algorithms developed to predict the effect of missense changes on protein structure and function (SIFT, PolyPhen-2, Align-GVGD) all suggest that this variant is likely to be tolerated. This variant has not been reported in the literature in individuals affected with SNAP25-related conditions. This variant is not present in population databases (gnomAD no frequency). This sequence change replaces arginine, which is basic and polar, with serine, which is neutral and polar, at codon 8 of the SNAP25 protein (p.Arg8Ser).

NM_130811.4(SNAP25):c.22C>A (p.Arg8Ser)

Gene: SNAP25 (synaptosome associated protein 25; plus strand). Cytogenetic location: 20p12.2.
Variant type: single nucleotide variant.
Coding change: c.22C>A on transcript NM_130811.4 (MANE Select); coding-DNA position 22, C replaced by A.
Protein change: p.Arg8Ser; replaces arginine 8 with serine.
Molecular consequence: missense variant.
Genome position (GRCh38, 1-based): chr20:10,275,513, C>A. VCF-style: chr20-10275513-C-A. GRCh37 (hg19) VCF-style: chr20-10256161-C-A.
Other names: c.22C>A, p.Arg8Ser (NM_001322902.2, NM_001322903.2, NM_001322904.2 and 7 more transcripts); short protein forms R8S.
Identifiers: ClinVar variation 1720776 (VCV001720776.5), dbSNP rs555461700, ClinGen allele CA408265186.